The following is an entry in ClinVar:

ClinVar aggregate classification (germline): Uncertain significance. Review status: criteria provided, multiple submitters, no conflicts (2 of 4 stars). 6 submissions from 6 submitters: Uncertain significance (4). 2 of the submissions do not count toward it. Last evaluated 2026-01-12.

Conditions:
Facioscapulohumeral muscular dystrophy 2 (FSHD2). Also called: MUSCULAR DYSTROPHY, FACIOSCAPULOHUMERAL, TYPE 1B; FACIOSCAPULOHUMERAL MUSCULAR DYSTROPHY 2, DIGENIC; FSHD2, DIGENIC. Identifiers: Orphanet 269, MedGen C1834671, MONDO:0008031, OMIM 158901.

Allele frequency attached by ClinVar (database versions not stated): gnomAD 0.00008; TOPMed 0.00008; 1000 Genomes Project 30x 0.00016; 1000 Genomes Project 0.00020.
gnomAD v4.1: 245 of 1,560,992 alleles (0.016%); highest among the groups gnomAD compares: Non-Finnish European, 0.021%; no homozygotes.

Submissions (6):

Labcorp Genetics (formerly Invitae), Labcorp
Classification: Uncertain significance for Facioscapulohumeral muscular dystrophy 2. Last evaluated: 2026-01-12. Review status: criteria provided, single submitter. Criteria: Invitae Variant Classification Sherloc (09022015). Collection method: clinical testing. Allele origin: germline.
Comment: This sequence change replaces glycine, which is neutral and non-polar, with valine, which is neutral and non-polar, at codon 869 of the SMCHD1 protein (p.Gly869Val). The frequency data for this variant in the population databases is considered unreliable, as metrics indicate poor data quality at this position in the gnomAD database. This missense change has been observed in individual(s) with muscular dystrophy (PMID: 24755953). ClinVar contains an entry for this variant (Variation ID: 594519). An algorithm developed to predict the effect of missense changes on protein structure and function (PolyPhen-2) suggests that this variant is likely to be disruptive. In summary, the available evidence is currently insufficient to determine the role of this variant in disease. Therefore, it has been classified as a Variant of Uncertain Significance.

Mayo Clinic Laboratories, Mayo Clinic
Classification: Uncertain significance. Last evaluated: 2022-02-25. Review status: criteria provided, single submitter. Criteria: ACMG Guidelines, 2015. Collection method: clinical testing. Allele origin: germline. Observed: 1 variant allele.
Comment: PP3

Revvity Omics, Revvity
Classification: Uncertain significance. Last evaluated: 2020-01-03. Review status: criteria provided, single submitter. Criteria: ACMG Guidelines, 2015. Collection method: clinical testing. Allele origin: germline.

Eurofins Ntd Llc (ga)
Classification: Uncertain significance. Last evaluated: 2018-06-19. Review status: criteria provided, single submitter. Criteria: EGL ClinVar v180209 classification definitions. Collection method: clinical testing. Allele origin: germline. Observed: 2 variant alleles, 2 heterozygotes.

Diagnostic Laboratory, Department of Genetics, University Medical Center Groningen
Classification: Uncertain significance. Review status: no assertion criteria provided. Collection method: clinical testing. Allele origin: germline. Affected: yes. Study: VKGL Data-share Consensus. Not counted in ClinVar's aggregate classification.

Joint Genome Diagnostic Labs from Nijmegen and Maastricht, Radboudumc and MUMC+
Classification: Uncertain significance. Review status: no assertion criteria provided. Collection method: clinical testing. Allele origin: germline. Affected: yes. Study: VKGL Data-share Consensus. Not counted in ClinVar's aggregate classification.

Literature cited by the submitters: PubMed 24755953 (cited by 3 submitters); PubMed 23143600 (cited by Eurofins Ntd Llc (ga)); PubMed 25370034 (cited by Eurofins Ntd Llc (ga)).

NM_015295.3(SMCHD1):c.2606G>T (p.Gly869Val)

Gene: SMCHD1 (structural maintenance of chromosomes flexible hinge domain containing 1; plus strand). Cytogenetic location: 18p11.32.
Variant type: single nucleotide variant.
Coding change: c.2606G>T on transcript NM_015295.3 (MANE Select); coding-DNA position 2606, G replaced by T.
Protein change: p.Gly869Val; replaces glycine 869 with valine.
Molecular consequence: missense variant.
Genome position (GRCh38, 1-based): chr18:2,724,901, G>T. VCF-style: chr18-2724901-G-T. GRCh37 (hg19) VCF-style: chr18-2724899-G-T.
Other names: p.Gly869Val; c.2606G>T (NM_015295.2); short protein forms G869V.
Identifiers: ClinVar variation 594519 (VCV000594519.20), dbSNP rs548397345, ClinGen allele CA8871022.